The following is an entry in ClinVar:

NM_001457.4(FLNB):c.28G>T (p.Glu10Ter)

Gene: FLNB (filamin B; plus strand). Cytogenetic location: 3p14.3.
Variant type: single nucleotide variant.
Coding change: c.28G>T on transcript NM_001457.4 (MANE Select); coding-DNA position 28, G replaced by T.
Protein change: p.Glu10Ter; replaces glutamic acid 10 with a stop codon.
Molecular consequence: nonsense.
Genome position (GRCh38, 1-based): chr3:58,008,592, G>T. VCF-style: chr3-58008592-G-T. GRCh37 (hg19) VCF-style: chr3-57994319-G-T.
Other names: c.28G>T, p.Glu10Ter (NM_001164317.2, NM_001164318.2, NM_001164319.2); short protein forms E10*.
Identifiers: ClinVar variation 3909973 (VCV003909973.1).
Genomic context (GRCh38, chr3:58,008,592, plus strand): 5'-CTCGTTGCGCATTGCGCTCTCCCCGCCACCAGGATGCCGGTAACCGAGAAGGATCTAGCT[G>T]AGGACGCGCCTTGGAAGAAGATCCAGCAGAACACGTTCACACGCTGGTGCAACGAGCACC-3'

ClinVar aggregate classification (germline): Likely pathogenic (1 of 4 stars; one submission).

Conditions:
Spondylocarpotarsal synostosis syndrome (SCT). Also called: Spondylocarpotarsal Synostosis Syndrome (FLNB-SCT); Synspondylism congenital; Scoliosis, congenital with unilateral unsegmented bar; SPONDYLOCARPOTARSAL SYNDROME; VERTEBRAL FUSION WITH CARPAL COALITION. Identifiers: Orphanet 3275, MedGen C1848934, MONDO:0010094, OMIM 272460.

Submission:

Kasturba Medical College, Manipal, Kasturba Medical College, Manipal, Manipal Academy of Higher Education, Manipal, India
Classification: Likely pathogenic for Spondylocarpotarsal synostosis syndrome. Review status: criteria provided, single submitter. Criteria: ACMG Guidelines, 2015. Collection method: research. Allele origin: biparental. Inheritance: Autosomal recessive inheritance. Affected: yes. Observed: 1 homozygote.
Comment: This variant is absent in homozygous / or heterozygous state in gnomAD (v4.1.0). The variant has been reported once in homozygous state in a similarly affected individual in our in-house database of 3596 exomes (Salian et al., 2018) and is absent in heterozygous state. This stop gain variant is predicted to introduce a premature termination codon which can either lead to nonsense mediated mRNA decay or formation of a truncated protein product.

Literature cited by the submitters: PubMed 29566257.